The following is an entry in ClinVar:

NM_000399.5(EGR2):c.1319C>T (p.Thr440Ile)

Gene: EGR2 (early growth response 2; minus strand). Cytogenetic location: 10q21.3.
Variant type: single nucleotide variant.
Coding change: c.1319C>T on transcript NM_000399.5 (MANE Select); coding-DNA position 1319, C replaced by T.
Protein change: p.Thr440Ile; replaces threonine 440 with isoleucine.
Molecular consequence: missense variant.
Genome position (GRCh38, 1-based): chr10:62,813,319, G>A on the plus strand (C>T on the coding strand, the complement: EGR2 is on the minus strand). VCF-style: chr10-62813319-G-A. GRCh37 (hg19) VCF-style: chr10-64573079-G-A.
Other names: c.1319C>T, p.Thr440Ile (NM_001136177.3, NM_001136178.2); c.1169C>T, p.Thr390Ile (NM_001136179.3, NM_001321037.2); short protein forms T390I, T440I.
Identifiers: ClinVar variation 1057173 (VCV001057173.7), dbSNP rs2132701816, ClinGen allele CA377027112.
Genomic context (GRCh38, chr10:62,813,319, plus strand): 5'-CTGCTGCTGTTACTGCTGCACAGGGTACCCCCAGGCTGCACGCCCCCAGAGCAGGAGGCT[G>A]TAGAGGGGGCTGGCACCGATGCAGAGGGGGCACTGCTTTTCCGCTCTTTCTGTCTCAGGT-3'
Protein context (NP_000390.2, residues 430-450): APSASVPAPS[Thr440Ile]ASCSGGVQPG

ClinVar aggregate classification (germline): Uncertain significance (1 of 4 stars; one submission).

Conditions:
Charcot-Marie-Tooth disease, type I (CMT1). Also called: Charcot-Marie-Tooth disease type 1; Charcot-Marie-Tooth, Type 1. Identifiers: Orphanet 65753, MedGen C0751036, MONDO:0019011.

Submission:

Labcorp Genetics (formerly Invitae), Labcorp
Classification: Uncertain significance for Charcot-Marie-Tooth disease, type I. Last evaluated: 2020-07-27. Review status: criteria provided, single submitter. Criteria: Invitae Variant Classification Sherloc (09022015). Collection method: clinical testing. Allele origin: germline.
Comment: This variant is not present in population databases (ExAC no frequency). This sequence change replaces threonine with isoleucine at codon 440 of the EGR2 protein (p.Thr440Ile). The threonine residue is weakly conserved and there is a moderate physicochemical difference between threonine and isoleucine. In summary, the available evidence is currently insufficient to determine the role of this variant in disease. Therefore, it has been classified as a Variant of Uncertain Significance. Experimental studies and prediction algorithms are not available or were not evaluated, and the functional significance of this variant is currently unknown. This variant has not been reported in the literature in individuals with EGR2-related conditions.